The following is an entry in ClinVar:

ClinVar aggregate classification (germline): Uncertain significance (1 of 4 stars; one submission).

gnomAD v4.1: 14 of 1,611,696 alleles (0.00087%); highest among the groups gnomAD compares: South Asian, 0.013%; no homozygotes.

Submission:

Labcorp Genetics (formerly Invitae), Labcorp
Classification: Uncertain significance. Last evaluated: 2023-10-03. Review status: criteria provided, single submitter. Criteria: Invitae Variant Classification Sherloc (09022015). Collection method: clinical testing. Allele origin: germline.
Comment: This sequence change replaces proline, which is neutral and non-polar, with threonine, which is neutral and polar, at codon 337 of the VCAN protein (p.Pro337Thr). This variant is present in population databases (rs199827515, gnomAD 0.03%). This variant has not been reported in the literature in individuals affected with VCAN-related conditions. ClinVar contains an entry for this variant (Variation ID: 2111435). An algorithm developed to predict the effect of missense changes on protein structure and function (PolyPhen-2) suggests that this variant is likely to be disruptive. In summary, the available evidence is currently insufficient to determine the role of this variant in disease. Therefore, it has been classified as a Variant of Uncertain Significance.

NM_004385.5(VCAN):c.1009C>A (p.Pro337Thr)

Gene: VCAN (versican; plus strand). Cytogenetic location: 5q14.3.
Variant type: single nucleotide variant.
Coding change: c.1009C>A on transcript NM_004385.5 (MANE Select); coding-DNA position 1009, C replaced by A.
Protein change: p.Pro337Thr; replaces proline 337 with threonine.
Molecular consequence: missense variant.
Genome position (GRCh38, 1-based): chr5:83,512,363, C>A. VCF-style: chr5-83512363-C-A. GRCh37 (hg19) VCF-style: chr5-82808182-C-A.
Other names: c.1009C>A, p.Pro337Thr (NM_001126336.3, NM_001164097.2, NM_001164098.2); short protein forms P337T.
Identifiers: ClinVar variation 2111435 (VCV002111435.4), dbSNP rs199827515, ClinGen allele CA3332570.